The following is an entry in ClinVar:

ClinVar aggregate classification (germline): Uncertain significance (1 of 4 stars; one submission).

Conditions:
GDF5-related disorder. Also called: GDF5 (CDMP1)-related disorder; GDF5-related condition. Identifiers: MedGen CN169990.

Submission:

PreventionGenetics, part of Exact Sciences
Classification: Uncertain significance for GDF5-related condition. Last evaluated: 2025-07-17. Review status: criteria provided, single submitter. Criteria: ACMG Guidelines, 2015. Collection method: clinical testing. Allele origin: germline.
Comment: The GDF5 c.394A>G variant is predicted to result in the amino acid substitution p.Lys132Glu. To our knowledge, this variant has not been reported in the literature or in a large population database (gnomAD), indicating this variant is rare. At this time, the clinical significance of this variant is uncertain due to the absence of conclusive functional and genetic evidence.

NM_000557.5(GDF5):c.394A>G (p.Lys132Glu)

Gene: GDF5 (growth differentiation factor 5; minus strand). Cytogenetic location: 20q11.22.
Variant type: single nucleotide variant.
Coding change: c.394A>G on transcript NM_000557.5 (MANE Select); coding-DNA position 394, A replaced by G.
Protein change: p.Lys132Glu; replaces lysine 132 with glutamic acid.
Molecular consequence: missense variant.
Genome position (GRCh38, 1-based): chr20:35,437,535, T>C on the plus strand (A>G on the coding strand, the complement: GDF5 is on the minus strand). VCF-style: chr20-35437535-T-C. GRCh37 (hg19) VCF-style: chr20-34025315-T-C.
Other names: c.394A>G, p.Lys132Glu (NM_001319138.2); short protein forms K132E.
Identifiers: ClinVar variation 4997109 (VCV004997109.1).